The following is an entry in ClinVar:

ClinVar aggregate classification (germline): Uncertain significance (1 of 4 stars; one submission).

Submission:

Labcorp Genetics (formerly Invitae), Labcorp
Classification: Uncertain significance. Last evaluated: 2025-09-04. Review status: criteria provided, single submitter. Criteria: Invitae Variant Classification Sherloc (09022015). Collection method: clinical testing. Allele origin: germline.
Comment: This sequence change replaces aspartic acid, which is acidic and polar, with glutamic acid, which is acidic and polar, at codon 769 of the LIFR protein (p.Asp769Glu). This variant is not present in population databases (gnomAD no frequency). This variant has not been reported in the literature in individuals affected with LIFR-related conditions. ClinVar contains an entry for this variant (Variation ID: 1354562). An algorithm developed to predict the effect of missense changes on protein structure and function (PolyPhen-2) suggests that this variant is likely to be tolerated. In summary, the available evidence is currently insufficient to determine the role of this variant in disease. Therefore, it has been classified as a Variant of Uncertain Significance.

NM_001127671.2(LIFR):c.2307C>A (p.Asp769Glu)

Gene: LIFR (LIF receptor subunit alpha; minus strand). Cytogenetic location: 5p13.1.
Variant type: single nucleotide variant.
Coding change: c.2307C>A on transcript NM_001127671.2 (MANE Select); coding-DNA position 2307, C replaced by A.
Protein change: p.Asp769Glu; replaces aspartic acid 769 with glutamic acid.
Molecular consequence: missense variant.
Genome position (GRCh38, 1-based): chr5:38,489,106, G>T on the plus strand (C>A on the coding strand, the complement: LIFR is on the minus strand). VCF-style: chr5-38489106-G-T. GRCh37 (hg19) VCF-style: chr5-38489208-G-T.
Other names: c.2307C>A, p.Asp769Glu (NM_001364297.2, NM_001364298.2, NM_002310.6); short protein forms D769E.
Identifiers: ClinVar variation 1354562 (VCV001354562.8), dbSNP rs1288146568, ClinGen allele CA359537000.
Genomic context (GRCh38, chr5:38,489,106, plus strand): 5'-AAACACTTTCCTTGTGCTATCAATTTACTCACCTGATTCTAAAACCCTCATCTTAGATGT[G>T]TCTCTTTCTCCTTTTCCAAAGTAAAACAAATATCCTCTTAAAAAGCCTCTAAGTTCTTCC-3'
Protein context (NP_001121143.1, residues 759-779): YLFYFGKGER[Asp769Glu]TSKMRVLESG